The following is an entry in ClinVar:

ClinVar aggregate classification (germline): Uncertain significance (1 of 4 stars; one submission).

Conditions:
Gastrointestinal stromal tumor. Also called: Gastrointestinal stromal tumor, somatic; Gastrointestinal stroma tumor. Identifiers: Orphanet 44890, MedGen C0238198, MeSH D046152, MONDO:0011719, OMIM 606764, HP:0100723.

Submission:

Labcorp Genetics (formerly Invitae), Labcorp
Classification: Uncertain significance for Gastrointestinal stromal tumor. Last evaluated: 2024-05-07. Review status: criteria provided, single submitter. Criteria: Invitae Variant Classification Sherloc (09022015). Collection method: clinical testing. Allele origin: germline.
Comment: This sequence change replaces valine, which is neutral and non-polar, with alanine, which is neutral and non-polar, at codon 955 of the KIT protein (p.Val955Ala). This variant is not present in population databases (gnomAD no frequency). This variant has not been reported in the literature in individuals affected with KIT-related conditions. An algorithm developed to predict the effect of missense changes on protein structure and function (PolyPhen-2) suggests that this variant is likely to be tolerated. In summary, the available evidence is currently insufficient to determine the role of this variant in disease. Therefore, it has been classified as a Variant of Uncertain Significance.

NM_000222.3(KIT):c.2864T>C (p.Val955Ala)

Gene: KIT (KIT proto-oncogene, receptor tyrosine kinase; plus strand). Cytogenetic location: 4q12.
Variant type: single nucleotide variant.
Coding change: c.2864T>C on transcript NM_000222.3 (MANE Select); coding-DNA position 2864, T replaced by C.
Protein change: p.Val955Ala; replaces valine 955 with alanine.
Molecular consequence: missense variant.
Genome position (GRCh38, 1-based): chr4:54,738,490, T>C. VCF-style: chr4-54738490-T-C. GRCh37 (hg19) VCF-style: chr4-55604656-T-C.
Other names: c.2852T>C, p.Val951Ala (NM_001093772.2, NM_001385292.1); c.2867T>C, p.Val956Ala (NM_001385284.1); c.2861T>C, p.Val954Ala (NM_001385285.1); c.2849T>C, p.Val950Ala (NM_001385286.1); c.2855T>C, p.Val952Ala (NM_001385288.1); c.2864T>C, p.Val955Ala (NM_001385290.1); short protein forms V950A, V956A, V951A, V952A, V954A, V955A.
Identifiers: ClinVar variation 3684823 (VCV003684823.2).